The following is an entry in ClinVar:

ClinVar aggregate classification (germline): Uncertain significance (1 of 4 stars; one submission).

Conditions:
Primary ciliary dyskinesia. Also called: Ciliary dyskinesia. Identifiers: Orphanet 244, MedGen C0008780, MONDO:0016575, HP:0012265.

Allele frequency attached by ClinVar (database versions not stated): gnomAD exomes 0.00001.
gnomAD v4.1: 4 of 1,614,138 alleles (0.00025%); highest among the groups gnomAD compares: Non-Finnish European, 0.00034%; no homozygotes.

Submission:

Labcorp Genetics (formerly Invitae), Labcorp
Classification: Uncertain significance for Primary ciliary dyskinesia. Last evaluated: 2022-02-10. Review status: criteria provided, single submitter. Criteria: Invitae Variant Classification Sherloc (09022015). Collection method: clinical testing. Allele origin: germline.
Comment: In summary, the available evidence is currently insufficient to determine the role of this variant in disease. Therefore, it has been classified as a Variant of Uncertain Significance. Algorithms developed to predict the effect of missense changes on protein structure and function output the following: SIFT: "Tolerated"; PolyPhen-2: "Benign"; Align-GVGD: "Class C0". The aspartic acid amino acid residue is found in multiple mammalian species, which suggests that this missense change does not adversely affect protein function. This variant has not been reported in the literature in individuals affected with CCDC40-related conditions. This variant is not present in population databases (gnomAD no frequency). This sequence change replaces glutamic acid, which is acidic and polar, with aspartic acid, which is acidic and polar, at codon 707 of the CCDC40 protein (p.Glu707Asp).

NM_017950.4(CCDC40):c.2121G>C (p.Glu707Asp)

Gene: CCDC40 (coiled-coil domain 40 molecular ruler complex subunit; plus strand). Cytogenetic location: 17q25.3.
Variant type: single nucleotide variant.
Coding change: c.2121G>C on transcript NM_017950.4 (MANE Select); coding-DNA position 2121, G replaced by C.
Protein change: p.Glu707Asp; replaces glutamic acid 707 with aspartic acid.
Molecular consequence: missense variant.
Genome position (GRCh38, 1-based): chr17:80,084,874, G>C. VCF-style: chr17-80084874-G-C. GRCh37 (hg19) VCF-style: chr17-78058673-G-C.
Other names: c.2121G>C, p.Glu707Asp (NM_001243342.2); short protein forms E707D.
Identifiers: ClinVar variation 1491917 (VCV001491917.6), dbSNP rs981844099, ClinGen allele CA294865429.